The following is an entry in ClinVar:

ClinVar aggregate classification (germline): Uncertain significance (1 of 4 stars; one submission).

Conditions:
Developmental and epileptic encephalopathy, 8 (DEE8). Also called: HYPEREKPLEXIA AND EPILEPSY. Identifiers: Orphanet 163985, Orphanet 2076, MedGen C1845102, MONDO:0010375, OMIM 300607.

Submission:

Labcorp Genetics (formerly Invitae), Labcorp
Classification: Uncertain significance for Developmental and epileptic encephalopathy, 8. Last evaluated: 2024-05-15. Review status: criteria provided, single submitter. Criteria: Invitae Variant Classification Sherloc (09022015). Collection method: clinical testing. Allele origin: germline.
Comment: This sequence change replaces aspartic acid, which is acidic and polar, with valine, which is neutral and non-polar, at codon 138 of the ARHGEF9 protein (p.Asp138Val). This variant is not present in population databases (gnomAD no frequency). This variant has not been reported in the literature in individuals affected with ARHGEF9-related conditions. Advanced modeling of protein sequence and biophysical properties (such as structural, functional, and spatial information, amino acid conservation, physicochemical variation, residue mobility, and thermodynamic stability) has been performed at Invitae for this missense variant, however the output from this modeling did not meet the statistical confidence thresholds required to predict the impact of this variant on ARHGEF9 protein function. In summary, the available evidence is currently insufficient to determine the role of this variant in disease. Therefore, it has been classified as a Variant of Uncertain Significance.

NM_001353921.2(ARHGEF9):c.434A>T (p.Asp145Val)

Gene: ARHGEF9 (Cdc42 guanine nucleotide exchange factor 9; minus strand). Cytogenetic location: Xq11.1.
Variant type: single nucleotide variant.
Coding change: c.434A>T on transcript NM_001353921.2 (MANE Select); coding-DNA position 434, A replaced by T.
Protein change: p.Asp145Val; replaces aspartic acid 145 with valine.
Molecular consequence: missense variant. On other transcripts: 5 prime UTR variant (1).
Genome position (GRCh38, 1-based): chrX:63,697,273, T>A on the plus strand (A>T on the coding strand, the complement: ARHGEF9 is on the minus strand). VCF-style: chrX-63697273-T-A. GRCh37 (hg19) VCF-style: chrX-62917153-T-A.
Other names: c.254A>T, p.Asp85Val (NM_001173479.2); c.434A>T, p.Asp145Val (NM_001353922.2); c.107A>T, p.Asp36Val (NM_001173480.2, NM_001369042.1); c.452A>T, p.Asp151Val (NM_001353923.1); c.350A>T, p.Asp117Val (NM_001330495.2, NM_001353927.2, NM_001369033.1 and 8 more transcripts); c.233A>T, p.Asp78Val (NM_001353924.2, NM_001353926.2, NM_001369039.1 and 1 more transcripts); c.413A>T, p.Asp138Val (NM_001353928.2, NM_001369030.1, NM_001369031.1 and 2 more transcripts); c.-2A>T (NM_001369045.1); short protein forms D145V, D151V, D36V, D85V, D117V, D138V, D78V.
Identifiers: ClinVar variation 3643696 (VCV003643696.2).
Genomic context (GRCh38, chrX:63,697,273, plus strand): 5'-AATCTGTAGATATCTTCAATGTTCCCAAAGATTACCTTCAGTTGCTCGTCACTGAACATG[T>A]CCCTTCTCTTCCGGCACTGCTTCAGATAGCCCTGTAGACAAAGAAAAAGCCTAGGCTGAG-3'
Protein context (NP_001340850.1, residues 135-155): GYLKQCRKRR[Asp145Val]MFSDEQLKVI